The following is an entry in ClinVar:

NM_001042750.2(STAG2):c.2269G>T (p.Asp757Tyr)

Gene: STAG2 (STAG2 cohesin complex component; plus strand). Cytogenetic location: Xq25.
Variant type: single nucleotide variant.
Coding change: c.2269G>T on transcript NM_001042750.2 (MANE Select); coding-DNA position 2269, G replaced by T.
Protein change: p.Asp757Tyr; replaces aspartic acid 757 with tyrosine.
Molecular consequence: missense variant.
Genome position (GRCh38, 1-based): chrX:124,068,567, G>T. VCF-style: chrX-124068567-G-T. GRCh37 (hg19) VCF-style: chrX-123202417-G-T.
Other names: c.2269G>T, p.Asp757Tyr (NM_001042749.2, NM_001042751.2, NM_001282418.2 and 13 more transcripts); short protein forms D757Y.
Identifiers: ClinVar variation 1492533 (VCV001492533.6), dbSNP rs745525022, ClinGen allele CA10508989.

ClinVar aggregate classification (germline): Uncertain significance (1 of 4 stars; one submission).

Allele frequency attached by ClinVar (database versions not stated): ExAC 0.00002; gnomAD exomes 0.00002 and 0.00004.
gnomAD v4.1: 46 of 1,178,097 alleles (0.0039%); highest among the groups gnomAD compares: Admixed American, 0.0052%; no homozygotes.

Submission:

Labcorp Genetics (formerly Invitae), Labcorp
Classification: Uncertain significance. Last evaluated: 2025-07-14. Review status: criteria provided, single submitter. Criteria: Invitae Variant Classification Sherloc (09022015). Collection method: clinical testing. Allele origin: germline.
Comment: This sequence change replaces aspartic acid, which is acidic and polar, with tyrosine, which is neutral and polar, at codon 757 of the STAG2 protein (p.Asp757Tyr). This variant is present in population databases (rs745525022, gnomAD 0.01%). This variant has not been reported in the literature in individuals affected with STAG2-related conditions. ClinVar contains an entry for this variant (Variation ID: 1492533). Invitae Evidence Modeling of protein sequence and biophysical properties (such as structural, functional, and spatial information, amino acid conservation, physicochemical variation, residue mobility, and thermodynamic stability) indicates that this missense variant is not expected to disrupt STAG2 protein function with a negative predictive value of 80%. In summary, the available evidence is currently insufficient to determine the role of this variant in disease. Therefore, it has been classified as a Variant of Uncertain Significance.